The following is an entry in ClinVar:

NM_000551.4(VHL):c.101G>C (p.Gly34Ala)

Gene: VHL (von Hippel-Lindau tumor suppressor; plus strand). Cytogenetic location: 3p25.3.
Variant type: single nucleotide variant.
Coding change: c.101G>C on transcript NM_000551.4 (MANE Select); coding-DNA position 101, G replaced by C.
Protein change: p.Gly34Ala; replaces glycine 34 with alanine.
Molecular consequence: missense variant. On other transcripts: non-coding transcript variant (1).
Genome position (GRCh38, 1-based): chr3:10,141,948, G>C. VCF-style: chr3-10141948-G-C. GRCh37 (hg19) VCF-style: chr3-10183632-G-C.
Other names: c.101G>C, p.Gly34Ala (NM_001354723.2, NM_198156.3); short protein forms G34A.
Identifiers: ClinVar variation 3979716 (VCV003979716.1).

ClinVar aggregate classification (germline): Uncertain significance (1 of 4 stars; one submission).

Conditions:
Hereditary cancer-predisposing syndrome. Also called: Tumor predisposition; Hereditary neoplastic syndrome; Neoplastic Syndromes, Hereditary; Hereditary Cancer Syndrome. Identifiers: Orphanet 140162, MedGen C0027672, MeSH D009386, MONDO:0015356.

Submission:

Ambry Genetics
Classification: Uncertain significance for Hereditary cancer-predisposing syndrome. Last evaluated: 2025-05-23. Review status: criteria provided, single submitter. Criteria: Ambry Variant Classification Scheme 2023. Collection method: clinical testing. Allele origin: germline.
Comment: The p.G34A variant (also known as c.101G>C), located in coding exon 1 of the VHL gene, results from a G to C substitution at nucleotide position 101. The glycine at codon 34 is replaced by alanine, an amino acid with similar properties. This amino acid position is well conserved in available vertebrate species; however, alanine is the reference amino acid in other vertebrate species. In addition, this alteration is predicted to be tolerated by in silico analysis. Based on the available evidence, the clinical significance of this variant remains unclear.